The following is an entry in ClinVar:

ClinVar aggregate classification (germline): Conflicting classifications of pathogenicity. Review status: criteria provided, conflicting classifications (1 of 4 stars). 4 submissions from 4 submitters: Uncertain significance (3); Likely benign (1). Last evaluated 2025-01-06.

Conditions:
Inborn genetic diseases. Identifiers: MedGen C0950123, MeSH D030342.

Allele frequency attached by ClinVar (database versions not stated): ESP Exome Variant Server 0.00015; 1000 Genomes Project 30x 0.00016; 1000 Genomes Project 0.00020; ExAC 0.00021; gnomAD exomes 0.00027; TOPMed 0.00057.
gnomAD v4.1: 258 of 1,614,202 alleles (0.016%); highest among the groups gnomAD compares: Middle Eastern, 0.66%; 1 homozygote.

Submissions (4):

Labcorp Genetics (formerly Invitae), Labcorp
Classification: Uncertain significance. Last evaluated: 2025-01-06. Review status: criteria provided, single submitter. Criteria: Invitae Variant Classification Sherloc (09022015). Collection method: clinical testing. Allele origin: germline.
Comment: This sequence change falls in intron 15 of the CDC45 gene. It does not directly change the encoded amino acid sequence of the CDC45 protein. It affects a nucleotide within the consensus splice site. This variant is present in population databases (rs372316748, gnomAD 0.1%). This variant has not been reported in the literature in individuals affected with CDC45-related conditions. ClinVar contains an entry for this variant (Variation ID: 1059991). Variants that disrupt the consensus splice site are a relatively common cause of aberrant splicing (PMID: 17576681, 9536098). Algorithms developed to predict the effect of sequence changes on RNA splicing suggest that this variant is not likely to affect RNA splicing. In summary, the available evidence is currently insufficient to determine the role of this variant in disease. Therefore, it has been classified as a Variant of Uncertain Significance.

Blueprint Genetics
Classification: Likely benign. Last evaluated: 2024-11-12. Review status: criteria provided, single submitter. Criteria: ACMG Guidelines, 2015. Collection method: clinical testing. Allele origin: germline.

Ambry Genetics
Classification: Uncertain significance for Inborn genetic diseases. Last evaluated: 2021-10-22. Review status: criteria provided, single submitter. Criteria: Ambry Variant Classification Scheme 2023. Collection method: clinical testing. Allele origin: germline.
Comment: The c.1452+6G>T intronic alteration consists of a G to T substitution 6 nucleotides after exon 15 of the CDC45 gene. Based on insufficient or conflicting evidence, the clinical significance of this alteration remains unclear.

Breakthrough Genomics
Classification: Uncertain significance. Review status: criteria provided, single submitter. Criteria: ACMG Guidelines, 2015. Collection method: not provided. Allele origin: germline. Inheritance: Autosomal dominant inheritance. Affected: yes.

Literature cited by the submitters: PubMed 17576681 (cited by Labcorp Genetics (formerly Invitae), Labcorp); PubMed 9536098 (cited by Labcorp Genetics (formerly Invitae), Labcorp).

NM_003504.5(CDC45):c.1356+6G>T

Gene: CDC45 (cell division cycle 45; plus strand). Cytogenetic location: 22q11.21.
Variant type: single nucleotide variant.
Coding change: c.1356+6G>T on transcript NM_003504.5 (MANE Select); 6 bases into the intron after coding-DNA position 1356, G replaced by T.
Molecular consequence: intron variant.
Genome position (GRCh38, 1-based): chr22:19,514,893, G>T. VCF-style: chr22-19514893-G-T. GRCh37 (hg19) VCF-style: chr22-19502416-G-T.
Other names: c.1320+6G>T (NM_001369291.1); c.1452+6G>T (NM_001178010.2, NM_001178010.1); c.1218+6G>T (NM_001178011.2).
Identifiers: ClinVar variation 1059991 (VCV001059991.8), dbSNP rs372316748, ClinGen allele CA10101404.